The following is an entry in ClinVar:

NM_001904.4(CTNNB1):c.2273del (p.His758fs)

Gene: CTNNB1 (catenin beta 1; plus strand). Cytogenetic location: 3p22.1.
Variant type: Deletion.
Coding change: c.2273del on transcript NM_001904.4 (MANE Select); coding-DNA position 2273, one base deleted (A; older notation c.2273delA).
Protein change: p.His758fs; shifts the reading frame from histidine 758.
Molecular consequence: frameshift variant.
Genome position (GRCh38, 1-based): chr3:41,239,269, A deleted. VCF-style (leftmost placement, unchanged base first): chr3-41239268-CA-C. GRCh37 (hg19) VCF-style: chr3-41280759-CA-C.
Other names: c.2273del, p.His758fs (NM_001098209.2, NM_001098210.2); c.2252del, p.His751fs (NM_001330729.2); short protein forms H751fs, H758fs.
Identifiers: ClinVar variation 666287 (VCV000666287.2), dbSNP rs1575339920, ClinGen allele CA915942446.

ClinVar aggregate classification (germline): Likely pathogenic. Review status: criteria provided, single submitter (1 of 4 stars). 2 submissions from 2 submitters: Likely pathogenic (1). 1 of the submissions does not count toward it. Last evaluated 2014-01-01.

Conditions:
Severe intellectual disability-progressive spastic diplegia syndrome (NEDSDV). Also called: NEURODEVELOPMENTAL DISORDER WITH SPASTIC DIPLEGIA AND VISUAL DEFECTS; CTNNB1 Neurodevelopmental Disorder. Identifiers: Orphanet 404473, MedGen C3554449, MONDO:0014035, OMIM 615075.

Submissions (2):

Equipe Genetique des Anomalies du Developpement, Université de Bourgogne
Classification: Likely pathogenic for Severe intellectual disability-progressive spastic diplegia syndrome. Last evaluated: 2014-01-01. Review status: criteria provided, single submitter. Criteria: ACMG Guidelines, 2007. Collection method: clinical testing. Allele origin: de novo. Affected: yes.

Solve-RD Consortium
Classification: Likely pathogenic for Severe intellectual disability-progressive spastic diplegia syndrome. Last evaluated: 2022-06-01. Review status: no assertion criteria provided. Collection method: provider interpretation. Allele origin: inherited. Affected: yes. Not counted in ClinVar's aggregate classification.
Comment: Variant confirmed as disease-causing by referring clinical team

Variant identified during reanalysis of unsolved cases by the Solve-RD project. The Solve-RD project has received funding from the European Union’s Horizon 2020 research and innovation programme under grant agreement No 779257.

Literature cited by the submitters: PubMed 39825153 (cited by Solve-RD Consortium).